The following is an entry in ClinVar:

NM_021076.4(NEFH):c.370A>T (p.Ser124Cys)

Gene: NEFH (neurofilament heavy chain; plus strand). Cytogenetic location: 22q12.2.
Variant type: single nucleotide variant.
Coding change: c.370A>T on transcript NM_021076.4 (MANE Select); coding-DNA position 370, A replaced by T.
Protein change: p.Ser124Cys; replaces serine 124 with cysteine.
Molecular consequence: missense variant.
Genome position (GRCh38, 1-based): chr22:29,480,632, A>T. VCF-style: chr22-29480632-A-T. GRCh37 (hg19) VCF-style: chr22-29876621-A-T.
Other names: short protein forms S124C.
Identifiers: ClinVar variation 1912363 (VCV001912363.5), dbSNP rs2517968633, ClinGen allele CA411122721.

ClinVar aggregate classification (germline): Uncertain significance (1 of 4 stars; one submission).

gnomAD v4.1: 4 of 1,563,944 alleles (0.00026%); highest among the groups gnomAD compares: Non-Finnish European, 0.00034%; no homozygotes.

Submission:

Labcorp Genetics (formerly Invitae), Labcorp
Classification: Uncertain significance. Last evaluated: 2025-07-19. Review status: criteria provided, single submitter. Criteria: Invitae Variant Classification Sherloc (09022015). Collection method: clinical testing. Allele origin: germline.
Comment: This sequence change replaces serine, which is neutral and polar, with cysteine, which is neutral and slightly polar, at codon 124 of the NEFH protein (p.Ser124Cys). This variant is not present in population databases (gnomAD no frequency). This variant has not been reported in the literature in individuals affected with NEFH-related conditions. ClinVar contains an entry for this variant (Variation ID: 1912363). Invitae Evidence Modeling of protein sequence and biophysical properties (such as structural, functional, and spatial information, amino acid conservation, physicochemical variation, residue mobility, and thermodynamic stability) indicates that this missense variant is not expected to disrupt NEFH protein function with a negative predictive value of 95%. In summary, the available evidence is currently insufficient to determine the role of this variant in disease. Therefore, it has been classified as a Variant of Uncertain Significance.